The following is an entry in ClinVar:

NM_001134363.3(RBM20):c.2132G>A (p.Arg711His)

Gene: RBM20 (RNA binding motif protein 20; plus strand). Cytogenetic location: 10q25.2.
Variant type: single nucleotide variant.
Coding change: c.2132G>A on transcript NM_001134363.3 (MANE Select); coding-DNA position 2132, G replaced by A.
Protein change: p.Arg711His; replaces arginine 711 with histidine.
Molecular consequence: missense variant.
Genome position (GRCh38, 1-based): chr10:110,812,529, G>A. VCF-style: chr10-110812529-G-A. GRCh37 (hg19) VCF-style: chr10-112572287-G-A.
Other names: c.2132G>A (NM_001134363.1); short protein forms R711H.
Identifiers: ClinVar variation 936738 (VCV000936738.7), dbSNP rs1448017649, ClinGen allele CA378372098.
Genomic context (GRCh38, chr10:110,812,529, plus strand): 5'-CTCCCTGGAGGGACAACGGAGATGACAAGAGGGACAGGATGGACCCCTGGGCACATGATC[G>A]CAAACACCACCCCCGGCAACTGGACAAGGCTGAGTTGGACGAGCGACCAGAAGGAGGGAG-3'
Protein context (NP_001127835.2, residues 701-721): RDRMDPWAHD[Arg711His]KHHPRQLDKA

ClinVar aggregate classification (germline): Uncertain significance. Review status: criteria provided, multiple submitters, no conflicts (2 of 4 stars). 3 submissions from 3 submitters: Uncertain significance (3). Last evaluated 2025-12-09.

Conditions:
Dilated cardiomyopathy 1DD (CMD1DD). Identifiers: Orphanet 154, MedGen C2750995, MONDO:0013168, OMIM 613172.

Allele frequency attached by ClinVar (database versions not stated): TOPMed 0.00001.

Submissions (3):

Labcorp Genetics (formerly Invitae), Labcorp
Classification: Uncertain significance for Dilated cardiomyopathy 1DD. Last evaluated: 2025-12-09. Review status: criteria provided, single submitter. Criteria: Invitae Variant Classification Sherloc (09022015). Collection method: clinical testing. Allele origin: germline.
Comment: This sequence change replaces arginine, which is basic and polar, with histidine, which is basic and polar, at codon 711 of the RBM20 protein (p.Arg711His). This variant is not present in population databases (gnomAD no frequency). This variant has not been reported in the literature in individuals affected with RBM20-related conditions. ClinVar contains an entry for this variant (Variation ID: 936738). Invitae Evidence Modeling of protein sequence and biophysical properties (such as structural, functional, and spatial information, amino acid conservation, physicochemical variation, residue mobility, and thermodynamic stability) indicates that this missense variant is not expected to disrupt RBM20 protein function with a negative predictive value of 95%. In summary, the available evidence is currently insufficient to determine the role of this variant in disease. Therefore, it has been classified as a Variant of Uncertain Significance.

Blueprint Genetics
Classification: Uncertain significance. Last evaluated: 2024-02-05. Review status: criteria provided, single submitter. Criteria: ACMG Guidelines, 2015. Collection method: clinical testing. Allele origin: germline.

GeneDx
Classification: Uncertain significance. Last evaluated: 2022-12-09. Review status: criteria provided, single submitter. Criteria: GeneDx Variant Classification Process June 2021. Collection method: clinical testing. Allele origin: germline. Affected: yes.
Comment: Has not been previously published as pathogenic or benign in association with a RBM20-related disorder to our knowledge; Not observed at significant frequency in large population cohorts (gnomAD); In silico analysis supports that this missense variant has a deleterious effect on protein structure/function; This variant is associated with the following publications: (PMID: 31983221, 34183866)